The following is an entry in ClinVar:

ClinVar aggregate classification (germline): Uncertain significance (0 of 4 stars; one submission).

Conditions:
PCNT-related disorder. Also called: PCNT-related condition.

Submission:

PreventionGenetics, part of Exact Sciences
Classification: Uncertain significance for PCNT-related condition. Last evaluated: 2023-12-08. Review status: no assertion criteria provided. Collection method: clinical testing. Allele origin: germline.
Comment: The PCNT c.5275G>A variant is predicted to result in the amino acid substitution p.Val1759Met. To our knowledge, this variant has not been reported in the literature or in a large population database, indicating this variant is rare. At this time, the clinical significance of this variant is uncertain due to the absence of conclusive functional and genetic evidence.

NM_006031.6(PCNT):c.5275G>A (p.Val1759Met)

Gene: PCNT (pericentrin; plus strand). Cytogenetic location: 21q22.3.
Variant type: single nucleotide variant.
Coding change: c.5275G>A on transcript NM_006031.6 (MANE Select); coding-DNA position 5275, G replaced by A.
Protein change: p.Val1759Met; replaces valine 1759 with methionine.
Molecular consequence: missense variant.
Genome position (GRCh38, 1-based): chr21:46,411,348, G>A. VCF-style: chr21-46411348-G-A. GRCh37 (hg19) VCF-style: chr21-47831262-G-A.
Other names: c.4921G>A, p.Val1641Met (NM_001315529.2); short protein forms V1641M, V1759M.
Identifiers: ClinVar variation 3348222 (VCV003348222.1).
Genomic context (GRCh38, chr21:46,411,348, plus strand): 5'-ATTGAACAACTCCATGAAGTCATTGAGAAGCTGCAGCACGAGCTGTCCCTCATGGGGCCT[G>A]TGGTGCACGAAGTCAGCGACAGTCAGGCTGGCAGTCTGCAGAGCGAGCTGCTCTGCTCCC-3'
Protein context (NP_006022.3, residues 1749-1769): LQHELSLMGP[Val1759Met]VHEVSDSQAG